The following is an entry in ClinVar:

ClinVar aggregate classification (germline): Uncertain significance (1 of 4 stars; one submission).

Submission:

Ambry Genetics
Classification: Uncertain significance. Last evaluated: 2022-07-14. Review status: criteria provided, single submitter. Criteria: Ambry Variant Classification Scheme 2023. Collection method: clinical testing. Allele origin: germline.
Comment: The p.I251T variant (also known as c.752T>C), located in coding exon 5 of the IDH1 gene, results from a T to C substitution at nucleotide position 752. The isoleucine at codon 251 is replaced by threonine, an amino acid with similar properties. This amino acid position is conserved. In addition, this alteration is predicted to be deleterious by in silico analysis. Since supporting evidence is limited at this time, the clinical significance of this alteration remains unclear.

NM_005896.4(IDH1):c.752T>C (p.Ile251Thr)

Gene: IDH1 (isocitrate dehydrogenase (NADP(+)) 1; minus strand). Cytogenetic location: 2q34.
Variant type: single nucleotide variant.
Coding change: c.752T>C on transcript NM_005896.4 (MANE Select); coding-DNA position 752, T replaced by C.
Protein change: p.Ile251Thr; replaces isoleucine 251 with threonine.
Molecular consequence: missense variant.
Genome position (GRCh38, 1-based): chr2:208,242,092, A>G on the plus strand (T>C on the coding strand, the complement: IDH1 is on the minus strand). VCF-style: chr2-208242092-A-G. GRCh37 (hg19) VCF-style: chr2-209106816-A-G.
Other names: c.752T>C, p.Ile251Thr (NM_001282386.1, NM_001282387.1); short protein forms I251T.
Identifiers: ClinVar variation 1759383 (VCV001759383.2), dbSNP rs2469019561, ClinGen allele CA350097810.
Genomic context (GRCh38, chr2:208,242,092, plus strand): 5'-TTTTTACAGGCCCAGATGAAGCCTCCCTCTGATTTCATAGCTTGGGCCACCATGTCGTCG[A>G]TGAGCCTATGCTCATACCAGATCTTTTGAGCTTCAAACTGGGACTTGTACTGCCTGGGAA-3'
Protein context (NP_005887.2, residues 241-261): AQKIWYEHRL[Ile251Thr]DDMVAQAMKS